The following is an entry in ClinVar:

ClinVar aggregate classification (germline): Likely benign (0 of 4 stars; one submission).

Conditions:
CAST-related disorder. Also called: CAST-related condition.

Allele frequency attached by ClinVar (database versions not stated): gnomAD 0.00001; TOPMed below 0.00001.
gnomAD v4.1: 6 of 1,613,540 alleles (0.00037%); highest among the groups gnomAD compares: Non-Finnish European, 0.00051%; no homozygotes.

Submission:

PreventionGenetics, part of Exact Sciences
Classification: Likely benign for CAST-related condition. Last evaluated: 2019-07-16. Review status: no assertion criteria provided. Collection method: clinical testing. Allele origin: germline.
Comment: This variant is classified as likely benign based on ACMG/AMP sequence variant interpretation guidelines (Richards et al. 2015 PMID: 25741868, with internal and published modifications).

NM_001750.7(CAST):c.2221C>T (p.Leu741=)

Genes: CAST (calpastatin; plus strand), ERAP1 (endoplasmic reticulum aminopeptidase 1; minus strand). Cytogenetic location: 5q15.
Variant type: single nucleotide variant.
Coding change: c.2221C>T on transcript NM_001750.7 (MANE Select); coding-DNA position 2221, C replaced by T.
Protein change: p.Leu741=; no amino-acid change (leucine 741 retained).
Molecular consequence: synonymous variant. On other transcripts: non-coding transcript variant (1), intron variant (2).
Genome position (GRCh38, 1-based): chr5:96,767,952, C>T. VCF-style: chr5-96767952-C-T. GRCh37 (hg19) VCF-style: chr5-96103656-C-T.
Other names: c.2098C>T, p.Leu700= (NM_001042440.5); c.2164C>T, p.Leu722= (NM_001042441.3); c.2155C>T, p.Leu719= (NM_001042442.3); c.1972C>T, p.Leu658= (NM_001042443.3, NM_001423250.1); c.1849C>T, p.Leu617= (NM_001042444.3); c.1867C>T, p.Leu623= (NM_001042445.3, NM_001423255.1, NM_001423256.1 and 2 more transcripts); c.1810C>T, p.Leu604= (NM_001042446.3, NM_001423260.1); c.1933C>T, p.Leu645= (NM_001190442.2, NM_001330631.2, NM_001423251.1 and 1 more transcripts); and 14 more.
Identifiers: ClinVar variation 3050173 (VCV003050173.2), dbSNP rs776467210, ClinGen allele CA3351683.